The following is an entry in ClinVar:

NM_012213.3(MLYCD):c.393_400del (p.Leu133fs)

Gene: MLYCD (malonyl-CoA decarboxylase; plus strand). Cytogenetic location: 16q23.3.
Variant type: Deletion.
Coding change: c.393_400del on transcript NM_012213.3 (MANE Select); coding-DNA positions 393 to 400, 8 bases deleted (CGCGCTGG; older notation c.393_400delCGCGCTGG).
Protein change: p.Leu133fs; shifts the reading frame from leucine 133.
Molecular consequence: frameshift variant.
Genome position (GRCh38, 1-based): chr16:83,899,537-83,899,544, CGCGCTGG deleted. VCF-style (leftmost placement, unchanged base first): chr16-83899536-ACGCGCTGG-A. GRCh37 (hg19) VCF-style: chr16-83933141-ACGCGCTGG-A.
Other names: c.393_400delCGCGCTGG, p.Leu133Alafs (NM_012213.2); short protein forms L133fs.
Identifiers: ClinVar variation 2137849 (VCV002137849.5), dbSNP rs775425515, ClinGen allele CA8197210.
Genomic context (GRCh38, chr16:83,899,536, plus strand): 5'-ATCTGCGCCAGCAGCAGCGGGAGGCGGCGGTGCTGCTGCAGGCCGAGGACCGGCTGCGCT[ACGCGCTGG>A]TGCCGCGCTATCGCGGCCTCTTCCACCACATCAGCAAGCTGGACGGCGGCGTGCGCTTCC-3'

ClinVar aggregate classification (germline): Pathogenic (1 of 4 stars; one submission).

Conditions:
Deficiency of malonyl-CoA decarboxylase. Also called: Malonic aciduria; MCD deficiency. Identifiers: Orphanet 943, MedGen C0342793, MONDO:0009556, OMIM 248360.

Allele frequency attached by ClinVar (database versions not stated): ExAC 0.00001; gnomAD exomes 0.00001; TOPMed 0.00001; gnomAD 0.00002.

Submission:

Labcorp Genetics (formerly Invitae), Labcorp
Classification: Pathogenic for Deficiency of malonyl-CoA decarboxylase. Last evaluated: 2024-02-05. Review status: criteria provided, single submitter. Criteria: Invitae Variant Classification Sherloc (09022015). Collection method: clinical testing. Allele origin: germline.
Comment: This sequence change creates a premature translational stop signal (p.Leu133Alafs*72) in the MLYCD gene. It is expected to result in an absent or disrupted protein product. Loss-of-function variants in MLYCD are known to be pathogenic (PMID: 12955715, 17186413). This variant is present in population databases (rs775425515, gnomAD 0.004%). This premature translational stop signal has been observed in individual(s) with Malonyl-CoA decarboxylase deficiency (PMID: 22778304). ClinVar contains an entry for this variant (Variation ID: 2137849). For these reasons, this variant has been classified as Pathogenic.

Literature cited by the submitters: PubMed 12955715; PubMed 17186413; PubMed 22778304.